The following is an entry in ClinVar:

NM_001134382.3(IQSEC1):c.1629C>T (p.Val543=)

Gene: IQSEC1 (IQ motif and Sec7 domain ArfGEF 1; minus strand). Cytogenetic location: 3p25.2.
Variant type: single nucleotide variant.
Coding change: c.1629C>T on transcript NM_001134382.3 (MANE Select); coding-DNA position 1629, C replaced by T.
Protein change: p.Val543=; no amino-acid change (valine 543 retained).
Molecular consequence: synonymous variant.
Genome position (GRCh38, 1-based): chr3:12,924,682, G>A on the plus strand (C>T on the coding strand, the complement: IQSEC1 is on the minus strand). VCF-style: chr3-12924682-G-A. GRCh37 (hg19) VCF-style: chr3-12966182-G-A.
Other names: c.1305C>T, p.Val435= (NM_001330619.3); c.1953C>T, p.Val651= (NM_001376938.2); c.1671C>T, p.Val557= (NM_014869.8).
Identifiers: ClinVar variation 5039014 (VCV005039014.1).

ClinVar aggregate classification (germline): Likely benign (1 of 4 stars; one submission).

gnomAD v4.1: 340 of 1,609,538 alleles (0.021%); highest among the groups gnomAD compares: African/African-American, 0.38%; no homozygotes.

Submission:

CeGaT Center for Human Genetics Tuebingen
Classification: Likely benign. Last evaluated: 2026-08-01. Review status: criteria provided, single submitter. Criteria: CeGaT Center For Human Genetics Tuebingen Variant Classification Criteria Version 2. Collection method: clinical testing. Allele origin: germline. Affected: yes. Observed: 1 variant allele.
Comment: IQSEC1: BP4, BP7